The following is an entry in ClinVar:

ClinVar aggregate classification (germline): Uncertain significance (1 of 4 stars; one submission).

Conditions:
Compton-North congenital myopathy (CMYO12). Identifiers: Orphanet 210163, MedGen C2675527, MONDO:0012929, OMIM 612540.

Allele frequency attached by ClinVar (database versions not stated): gnomAD 0.00001; gnomAD exomes 0.00001; TOPMed 0.00001; ExAC 0.00002.
gnomAD v4.1: 21 of 1,613,744 alleles (0.0013%); highest among the groups gnomAD compares: Non-Finnish European, 0.0014%; no homozygotes.

Submission:

Labcorp Genetics (formerly Invitae), Labcorp
Classification: Uncertain significance for Compton-North congenital myopathy. Last evaluated: 2022-06-02. Review status: criteria provided, single submitter. Criteria: Invitae Variant Classification Sherloc (09022015). Collection method: clinical testing. Allele origin: germline.
Comment: In summary, the available evidence is currently insufficient to determine the role of this variant in disease. Therefore, it has been classified as a Variant of Uncertain Significance. Advanced modeling of protein sequence and biophysical properties (such as structural, functional, and spatial information, amino acid conservation, physicochemical variation, residue mobility, and thermodynamic stability) performed at Invitae indicates that this missense variant is not expected to disrupt CNTN1 protein function. This variant has not been reported in the literature in individuals affected with CNTN1-related conditions. This variant is present in population databases (rs774696772, gnomAD 0.003%). This sequence change replaces arginine, which is basic and polar, with cysteine, which is neutral and slightly polar, at codon 920 of the CNTN1 protein (p.Arg920Cys).

NM_001843.4(CNTN1):c.2758C>T (p.Arg920Cys)

Gene: CNTN1 (contactin 1; plus strand). Cytogenetic location: 12q12.
Variant type: single nucleotide variant.
Coding change: c.2758C>T on transcript NM_001843.4 (MANE Select); coding-DNA position 2758, C replaced by T.
Protein change: p.Arg920Cys; replaces arginine 920 with cysteine.
Molecular consequence: missense variant.
Genome position (GRCh38, 1-based): chr12:41,027,904, C>T. VCF-style: chr12-41027904-C-T. GRCh37 (hg19) VCF-style: chr12-41421706-C-T.
Other names: c.2725C>T, p.Arg909Cys (NM_175038.2); short protein forms R909C, R920C.
Identifiers: ClinVar variation 2073443 (VCV002073443.4), dbSNP rs774696772, ClinGen allele CA6517226.